The following is an entry in ClinVar:

ClinVar aggregate classification (germline): Likely benign. Review status: criteria provided, multiple submitters, no conflicts (2 of 4 stars). 3 submissions from 3 submitters: Likely benign (2). 1 of the submissions does not count toward it. Last evaluated 2024-08-02.

Conditions:
Cystic fibrosis (CF). Also called: MUCOVISCIDOSIS. Identifiers: Orphanet 586, MedGen C0010674, MONDO:0009061, OMIM 219700. Disease mechanism: loss of function.
CFTR-related disorder (CFTR-RD). Also called: CFTR-related condition; CFTR-related disorders. Identifiers: MedGen C5924204, MONDO:7770004.

Allele frequency attached by ClinVar (database versions not stated): gnomAD exomes below 0.00001.
gnomAD v4.1: 1 of 1,613,966 alleles (0.000062%); highest among the groups gnomAD compares: Non-Finnish European, 0.000085%; no homozygotes.

Submissions (3):

Ambry Genetics
Classification: Likely benign for Cystic fibrosis. Last evaluated: 2024-08-02. Review status: criteria provided, single submitter. Criteria: Ambry Variant Classification Scheme 2023. Collection method: clinical testing. Allele origin: germline.

Labcorp Genetics (formerly Invitae), Labcorp
Classification: Likely benign for Cystic fibrosis. Last evaluated: 2023-02-11. Review status: criteria provided, single submitter. Criteria: Invitae Variant Classification Sherloc (09022015). Collection method: clinical testing. Allele origin: germline.

PreventionGenetics, part of Exact Sciences
Classification: Likely benign for CFTR-related condition. Last evaluated: 2021-08-09. Review status: no assertion criteria provided. Collection method: clinical testing. Allele origin: germline. Not counted in ClinVar's aggregate classification.
Comment: This variant is classified as likely benign based on ACMG/AMP sequence variant interpretation guidelines (Richards et al. 2015 PMID: 25741868, with internal and published modifications).

NM_000492.4(CFTR):c.4335C>T (p.Asp1445=)

Genes: CFTR (CF transmembrane conductance regulator; plus strand), LOC111674477 (CFTR intron 23 enhancer; plus strand). Cytogenetic location: 7q31.2.
Variant type: single nucleotide variant.
Coding change: c.4335C>T on transcript NM_000492.4 (MANE Select); coding-DNA position 4335, C replaced by T.
Protein change: p.Asp1445=; no amino-acid change (aspartic acid 1445 retained).
Molecular consequence: synonymous variant.
Genome position (GRCh38, 1-based): chr7:117,667,000, C>T. VCF-style: chr7-117667000-C-T. GRCh37 (hg19) VCF-style: chr7-117307054-C-T.
Identifiers: ClinVar variation 2836520 (VCV002836520.6), dbSNP rs2485185716, ClinGen allele CA457231128.